The following is an entry in ClinVar:

ClinVar aggregate classification (germline): Conflicting classifications of pathogenicity. Review status: criteria provided, conflicting classifications (1 of 4 stars). 3 submissions from 3 submitters: Uncertain significance (1); Likely benign (2). Last evaluated 2026-01-09.

Submissions (3):

Labcorp Genetics (formerly Invitae), Labcorp
Classification: Likely benign. Last evaluated: 2026-01-09. Review status: criteria provided, single submitter. Criteria: Invitae Variant Classification Sherloc (09022015). Collection method: clinical testing. Allele origin: germline.

GeneDx
Classification: Uncertain significance. Last evaluated: 2025-08-20. Review status: criteria provided, single submitter. Criteria: GeneDx Variant Classification Process June 2021. Collection method: clinical testing. Allele origin: germline. Affected: yes.
Comment: Has not been previously published as pathogenic or benign to our knowledge; In silico analysis is inconclusive as to whether the variant alters gene splicing. In the absence of RNA/functional studies, the actual effect of this sequence change is unknown.

Blueprint Genetics
Classification: Likely benign. Last evaluated: 2024-11-21. Review status: criteria provided, single submitter. Criteria: ACMG Guidelines, 2015. Collection method: clinical testing. Allele origin: germline.

NM_002615.7(SERPINF1):c.998-19TC[2]

Gene: SERPINF1 (serpin family F member 1; plus strand). Cytogenetic location: 17p13.3.
Variant type: Microsatellite.
Coding change: c.998-19TC[2] on transcript NM_002615.7 (MANE Select); two copies in a row of the 2-base unit TC starting at c.998-19; the reference has four copies in a row; two copies, 4 bases deleted.
Molecular consequence: intron variant.
Genome position (GRCh38, 1-based): chr17:1,777,172-1,777,175, TCTC deleted; deleting any 4 consecutive bases within chr17:1,777,168-1,777,175 gives the same sequence; the position shown is the placement nearest the transcript's 3' end. VCF-style (leftmost placement, unchanged base first): chr17-1777167-ATCTC-A. GRCh37 (hg19) VCF-style: chr17-1680461-ATCTC-A.
Other names: c.437-19TC[2] (NM_001329904.2, NM_001329905.2); c.998-19TC[2] (NM_001329903.2).
Identifiers: ClinVar variation 1634466 (VCV001634466.10), dbSNP rs777987858, ClinGen allele CA8274927.
Genomic context (GRCh38, chr17:1,777,167, plus strand): 5'-AGCTTGCTTGCAAAGGGATCCCTTGGTTGGGGTGTTGGGGAAGGCAGGGTTTTAACGGAA[ATCTC>A]TCTCCATCTCTACAGAGCTGCAATCCTTGTTTGATTCACCAGACTTTAGCAAGATCACAG-3'